The following is an entry in ClinVar:

NM_001376.5(DYNC1H1):c.9571C>T (p.Arg3191Trp)

Gene: DYNC1H1 (dynein cytoplasmic 1 heavy chain 1; plus strand). Cytogenetic location: 14q32.31.
Variant type: single nucleotide variant.
Coding change: c.9571C>T on transcript NM_001376.5 (MANE Select); coding-DNA position 9571, C replaced by T.
Protein change: p.Arg3191Trp; replaces arginine 3191 with tryptophan.
Molecular consequence: missense variant.
Genome position (GRCh38, 1-based): chr14:102,029,641, C>T. VCF-style: chr14-102029641-C-T. GRCh37 (hg19) VCF-style: chr14-102495978-C-T.
Other names: short protein forms R3191W.
Identifiers: ClinVar variation 2786421 (VCV002786421.10), dbSNP rs2503811047, ClinGen allele CA391015901.
Genomic context (GRCh38, chr14:102,029,641, plus strand): 5'-ATCACCCCTCGCCACTACCTGGACTTCATCAATCACTATGCCAACCTGTTCCACGAGAAG[C>T]GGAGCGAGCTGGAGGAGCAGCAGATGCACTTGAACGTGGGGCTCAGGAAGATCAAAGAGA-3'
Protein context (NP_001367.2, residues 3181-3201): NHYANLFHEK[Arg3191Trp]SELEEQQMHL

ClinVar aggregate classification (germline): Uncertain significance. Review status: criteria provided, multiple submitters, no conflicts (2 of 4 stars). 3 submissions from 3 submitters: Uncertain significance (3). Last evaluated 2025-10-01.

Conditions:
Charcot-Marie-Tooth disease axonal type 2O. Also called: CHARCOT-MARIE-TOOTH NEUROPATHY, AXONAL, TYPE 2O; CHARCOT-MARIE-TOOTH DISEASE, AXONAL, AUTOSOMAL DOMINANT, TYPE 2O; Charcot-Marie-Tooth Neuropathy Type 2O; Charcot-Marie-Tooth disease, axonal, type 20. Identifiers: Orphanet 284232, MedGen C3280220, MONDO:0013644, OMIM 614228.

Allele frequency attached by ClinVar (database versions not stated): gnomAD exomes below 0.00001.
gnomAD v4.1: 3 of 1,614,200 alleles (0.00019%); highest among the groups gnomAD compares: Non-Finnish European, 0.00025%; no homozygotes.

Submissions (3):

CeGaT Center for Human Genetics Tuebingen
Classification: Uncertain significance. Last evaluated: 2025-10-01. Review status: criteria provided, single submitter. Criteria: CeGaT Center For Human Genetics Tuebingen Variant Classification Criteria Version 2. Collection method: clinical testing. Allele origin: germline. Affected: yes. Observed: 1 variant allele.
Comment: DYNC1H1: PP2

Labcorp Genetics (formerly Invitae), Labcorp
Classification: Uncertain significance for Charcot-Marie-Tooth disease axonal type 2O. Last evaluated: 2023-12-14. Review status: criteria provided, single submitter. Criteria: Invitae Variant Classification Sherloc (09022015). Collection method: clinical testing. Allele origin: germline.
Comment: This sequence change replaces arginine, which is basic and polar, with tryptophan, which is neutral and slightly polar, at codon 3191 of the DYNC1H1 protein (p.Arg3191Trp). This variant is not present in population databases (gnomAD no frequency). This variant has not been reported in the literature in individuals affected with DYNC1H1-related conditions. Advanced modeling of protein sequence and biophysical properties (such as structural, functional, and spatial information, amino acid conservation, physicochemical variation, residue mobility, and thermodynamic stability) performed at Invitae indicates that this missense variant is expected to disrupt DYNC1H1 protein function with a positive predictive value of 80%. In summary, the available evidence is currently insufficient to determine the role of this variant in disease. Therefore, it has been classified as a Variant of Uncertain Significance.

GeneDx
Classification: Uncertain significance. Last evaluated: 2023-10-16. Review status: criteria provided, single submitter. Criteria: GeneDx Variant Classification Process June 2021. Collection method: clinical testing. Allele origin: germline. Affected: yes.
Comment: Has not been previously published as pathogenic or benign to our knowledge; In silico analysis supports that this missense variant has a deleterious effect on protein structure/function; Not observed at significant frequency in large population cohorts (gnomAD); This variant is associated with the following publications: (PMID: 26100331, 25609763, 25512093)